The following is an entry in ClinVar:

ClinVar aggregate classification (germline): Uncertain significance (1 of 4 stars; one submission).

Submission:

Labcorp Genetics (formerly Invitae), Labcorp
Classification: Uncertain significance. Last evaluated: 2022-07-12. Review status: criteria provided, single submitter. Criteria: Invitae Variant Classification Sherloc (09022015). Collection method: clinical testing. Allele origin: germline.
Comment: This sequence change replaces methionine, which is neutral and non-polar, with valine, which is neutral and non-polar, at codon 1273 of the TNS2 protein (p.Met1273Val). In summary, the available evidence is currently insufficient to determine the role of this variant in disease. Therefore, it has been classified as a Variant of Uncertain Significance. Algorithms developed to predict the effect of sequence changes on RNA splicing suggest that this variant may create or strengthen a splice site. Algorithms developed to predict the effect of missense changes on protein structure and function (SIFT, PolyPhen-2, Align-GVGD) all suggest that this variant is likely to be tolerated. This variant has not been reported in the literature in individuals affected with TNS2-related conditions. This variant is not present in population databases (gnomAD no frequency).

NM_170754.4(TNS2):c.3787A>G (p.Met1263Val)

Gene: TNS2 (tensin 2; plus strand). Cytogenetic location: 12q13.13.
Variant type: single nucleotide variant.
Coding change: c.3787A>G on transcript NM_170754.4 (MANE Select); coding-DNA position 3787, A replaced by G.
Protein change: p.Met1263Val; replaces methionine 1263 with valine.
Molecular consequence: missense variant.
Genome position (GRCh38, 1-based): chr12:53,062,661, A>G. VCF-style: chr12-53062661-A-G. GRCh37 (hg19) VCF-style: chr12-53456445-A-G.
Other names: c.3787A>G, p.Met1263Val (NM_001416202.1); c.3745A>G, p.Met1249Val (NM_001416203.1); c.3814A>G, p.Met1272Val (NM_001416204.1); c.3718A>G, p.Met1240Val (NM_015319.3); c.3415A>G, p.Met1139Val (NM_198316.2); short protein forms M1263V, M1273V, M1139V, M1240V, M1249V, M1272V.
Identifiers: ClinVar variation 2106539 (VCV002106539.4), dbSNP rs143139889, ClinGen allele CA385017258.